The following is an entry in ClinVar:

NM_022455.5(NSD1):c.6216T>G (p.Cys2072Trp)

Gene: NSD1 (nuclear receptor binding SET domain protein 1; plus strand). Cytogenetic location: 5q35.3.
Variant type: single nucleotide variant.
Coding change: c.6216T>G on transcript NM_022455.5 (MANE Select); coding-DNA position 6216, T replaced by G.
Protein change: p.Cys2072Trp; replaces cysteine 2072 with tryptophan.
Molecular consequence: missense variant. On other transcripts: intron variant (1).
Genome position (GRCh38, 1-based): chr5:177,288,883, T>G. VCF-style: chr5-177288883-T-G. GRCh37 (hg19) VCF-style: chr5-176715884-T-G.
Other names: c.5343T>G, p.Cys1781Trp (NM_001365684.2, NM_001409308.1, NM_172349.5); c.6216T>G, p.Cys2072Trp (NM_001409301.1, NM_001409302.1, NM_001409303.1); c.5796T>G, p.Cys1932Trp (NM_001409304.1); c.5463T>G, p.Cys1821Trp (NM_001409305.1); c.5454T>G, p.Cys1818Trp (NM_001409306.1, NM_001409307.1); c.5137-3071T>G (NM_001409309.1); short protein forms C1781W, C1818W, C1821W, C1932W, C2072W.
Identifiers: ClinVar variation 2631534 (VCV002631534.3), dbSNP rs2480810920, ClinGen allele CA362318177.

ClinVar aggregate classification (germline): Likely pathogenic (0 of 4 stars; one submission).

Conditions:
NSD1-related disorder. Also called: NSD1-related condition.

Submission:

PreventionGenetics, part of Exact Sciences
Classification: Likely pathogenic for NSD1-related condition. Last evaluated: 2023-10-28. Review status: no assertion criteria provided. Collection method: clinical testing. Allele origin: germline.
Comment: The NSD1 c.6216T>G variant is predicted to result in the amino acid substitution p.Cys2072Trp. To our knowledge, this variant has not been reported in the literature or in a large population database, indicating this variant is rare. A different amino acid substitution affecting the same residue has been reported to be de novo in an individual with Sotos syndrome (Melchior et al. 2005. PubMed ID: 15720303). This variant is interpreted as likely pathogenic.